The following is an entry in ClinVar:

ClinVar aggregate classification (germline): Uncertain significance. Review status: criteria provided, multiple submitters, no conflicts (2 of 4 stars). 3 submissions from 3 submitters: Uncertain significance (3). Last evaluated 2024-05-01.

Conditions:
Hereditary cancer-predisposing syndrome. Also called: Hereditary neoplastic syndrome; Neoplastic Syndromes, Hereditary; Hereditary Cancer Syndrome; Tumor predisposition. Identifiers: Orphanet 140162, MedGen C0027672, MeSH D009386, MONDO:0015356.
Familial adenomatous polyposis 1 (FAP1). Also called: FAMILIAL ADENOMATOUS POLYPOSIS 1, ATTENUATED; POLYPOSIS, ADENOMATOUS INTESTINAL. Identifiers: MedGen C2713442, MONDO:0021056, OMIM 175100. Disease mechanism: loss of function.

Submissions (3):

GeneDx
Classification: Uncertain significance. Last evaluated: 2024-05-01. Review status: criteria provided, single submitter. Criteria: GeneDx Variant Classification Process June 2021. Collection method: clinical testing. Allele origin: germline. Affected: yes.
Comment: Not observed at significant frequency in large population cohorts (gnomAD); In silico analysis indicates that this missense variant does not alter protein structure/function; Has not been previously published as pathogenic or benign to our knowledge; This variant is associated with the following publications: (PMID: 18199528)

Labcorp Genetics (formerly Invitae), Labcorp
Classification: Uncertain significance for Familial adenomatous polyposis 1. Last evaluated: 2024-05-01. Review status: criteria provided, single submitter. Criteria: Invitae Variant Classification Sherloc (09022015). Collection method: clinical testing. Allele origin: germline.
Comment: This sequence change replaces aspartic acid, which is acidic and polar, with valine, which is neutral and non-polar, at codon 1133 of the APC protein (p.Asp1133Val). This variant is not present in population databases (gnomAD no frequency). This variant has not been reported in the literature in individuals affected with APC-related conditions. ClinVar contains an entry for this variant (Variation ID: 1719948). Advanced modeling of protein sequence and biophysical properties (such as structural, functional, and spatial information, amino acid conservation, physicochemical variation, residue mobility, and thermodynamic stability) performed at Invitae indicates that this missense variant is not expected to disrupt APC protein function with a negative predictive value of 95%. In summary, the available evidence is currently insufficient to determine the role of this variant in disease. Therefore, it has been classified as a Variant of Uncertain Significance.

Ambry Genetics
Classification: Uncertain significance for Hereditary cancer-predisposing syndrome. Last evaluated: 2022-04-27. Review status: criteria provided, single submitter. Criteria: Ambry Variant Classification Scheme 2023. Collection method: clinical testing. Allele origin: germline.
Comment: The p.D1133V variant (also known as c.3398A>T), located in coding exon 15 of the APC gene, results from an A to T substitution at nucleotide position 3398. The aspartic acid at codon 1133 is replaced by valine, an amino acid with highly dissimilar properties. This amino acid position is highly conserved in available vertebrate species. In addition, in silico predictors for this gene do not accurately predict pathogenicity. Since supporting evidence is limited at this time, the clinical significance of this alteration remains unclear.

NM_000038.6(APC):c.3398A>T (p.Asp1133Val)

Gene: APC (APC regulator of Wnt signaling pathway; plus strand). Cytogenetic location: 5q22.2.
Variant type: single nucleotide variant.
Coding change: c.3398A>T on transcript NM_000038.6 (MANE Select); coding-DNA position 3398, A replaced by T.
Protein change: p.Asp1133Val; replaces aspartic acid 1133 with valine.
Molecular consequence: missense variant.
Genome position (GRCh38, 1-based): chr5:112,838,992, A>T. VCF-style: chr5-112838992-A-T. GRCh37 (hg19) VCF-style: chr5-112174689-A-T.
Other names: c.3398A>T, p.Asp1133Val (NM_001127510.3, NM_001354895.2, NM_001407450.1); c.3344A>T, p.Asp1115Val (NM_001127511.3); c.3452A>T, p.Asp1151Val (NM_001354896.2, NM_001407447.1, NM_001407448.1 and 1 more transcripts); c.3428A>T, p.Asp1143Val (NM_001354897.2); c.3323A>T, p.Asp1108Val (NM_001354898.2); c.3314A>T, p.Asp1105Val (NM_001354899.2); c.3275A>T, p.Asp1092Val (NM_001354900.2); c.3221A>T, p.Asp1074Val (NM_001354901.2, NM_001407453.1); and 11 more; short protein forms D1004V, D1007V, D1032V, D1042V, D1050V, D1074V, D1092V, D1105V.
Identifiers: ClinVar variation 1719948 (VCV001719948.9), dbSNP rs1765414930, ClinGen allele CA16028781.